The following is an entry in ClinVar:

NM_004260.4(RECQL4):c.3163C>T (p.Leu1055Phe)

Gene: RECQL4 (RecQ like helicase 4; minus strand). Cytogenetic location: 8q24.3.
Variant type: single nucleotide variant.
Coding change: c.3163C>T on transcript NM_004260.4 (MANE Select); coding-DNA position 3163, C replaced by T.
Protein change: p.Leu1055Phe; replaces leucine 1055 with phenylalanine.
Molecular consequence: missense variant.
Genome position (GRCh38, 1-based): chr8:144,512,217, G>A on the plus strand (C>T on the coding strand, the complement: RECQL4 is on the minus strand). VCF-style: chr8-144512217-G-A. GRCh37 (hg19) VCF-style: chr8-145737600-G-A.
Other names: short protein forms L1055F.
Identifiers: ClinVar variation 528940 (VCV000528940.8), dbSNP rs769823922, ClinGen allele CA4947903.

ClinVar aggregate classification (germline): Uncertain significance. Review status: criteria provided, multiple submitters, no conflicts (2 of 4 stars). 2 submissions from 2 submitters: Uncertain significance (2). Last evaluated 2024-11-22.

Conditions:
Inborn genetic diseases. Identifiers: MedGen C0950123, MeSH D030342.
Baller-Gerold syndrome (BGS). Also called: CRANIOSYNOSTOSIS WITH RADIAL DEFECTS. Identifiers: Orphanet 1225, MedGen C0265308, MONDO:0009039, OMIM 218600.

Allele frequency attached by ClinVar (database versions not stated): ExAC 0.00001; gnomAD exomes 0.00001 and below 0.00001; TOPMed 0.00001; gnomAD 0.00002 and 0.00003.
gnomAD v4.1: 12 of 1,612,324 alleles (0.00074%); highest among the groups gnomAD compares: Non-Finnish European, 0.00093%; no homozygotes.

Submissions (2):

Ambry Genetics
Classification: Uncertain significance for Inborn genetic diseases. Last evaluated: 2024-11-22. Review status: criteria provided, single submitter. Criteria: Ambry Variant Classification Scheme 2023. Collection method: clinical testing. Allele origin: germline.
Comment: The p.L1055F variant (also known as c.3163C>T), located in coding exon 18 of the RECQL4 gene, results from a C to T substitution at nucleotide position 3163. The leucine at codon 1055 is replaced by phenylalanine, an amino acid with highly similar properties. This amino acid position is conserved. Based on the available evidence, the clinical significance of this variant remains unclear.

Labcorp Genetics (formerly Invitae), Labcorp
Classification: Uncertain significance for Baller-Gerold syndrome. Last evaluated: 2024-11-20. Review status: criteria provided, single submitter. Criteria: Invitae Variant Classification Sherloc (09022015). Collection method: clinical testing. Allele origin: germline.
Comment: This sequence change replaces leucine, which is neutral and non-polar, with phenylalanine, which is neutral and non-polar, at codon 1055 of the RECQL4 protein (p.Leu1055Phe). The frequency data for this variant in the population databases is considered unreliable, as metrics indicate poor data quality at this position in the gnomAD database. This variant has not been reported in the literature in individuals affected with RECQL4-related conditions. ClinVar contains an entry for this variant (Variation ID: 528940). Invitae Evidence Modeling of protein sequence and biophysical properties (such as structural, functional, and spatial information, amino acid conservation, physicochemical variation, residue mobility, and thermodynamic stability) indicates that this missense variant is expected to disrupt RECQL4 protein function with a positive predictive value of 80%. In summary, the available evidence is currently insufficient to determine the role of this variant in disease. Therefore, it has been classified as a Variant of Uncertain Significance.